The following is an entry in ClinVar:

ClinVar aggregate classification (germline): Uncertain significance (1 of 4 stars; one submission).

Conditions:
Primary ciliary dyskinesia. Also called: Ciliary dyskinesia. Identifiers: Orphanet 244, MedGen C0008780, MONDO:0016575, HP:0012265.

gnomAD v4.1: 4 of 1,604,130 alleles (0.00025%); highest among the groups gnomAD compares: Non-Finnish European, 0.00034%; no homozygotes.

Submission:

Labcorp Genetics (formerly Invitae), Labcorp
Classification: Uncertain significance for Primary ciliary dyskinesia. Last evaluated: 2019-03-07. Review status: criteria provided, single submitter. Criteria: Invitae Variant Classification Sherloc (09022015). Collection method: clinical testing. Allele origin: germline.
Comment: In summary, the available evidence is currently insufficient to determine the role of this variant in disease. Therefore, it has been classified as a Variant of Uncertain Significance. Algorithms developed to predict the effect of missense changes on protein structure and function (SIFT, PolyPhen-2, Align-GVGD) all suggest that this variant is likely to be disruptive, but these predictions have not been confirmed by published functional studies and their clinical significance is uncertain. This variant has not been reported in the literature in individuals with DNAH11-related conditions. This variant is not present in population databases (ExAC no frequency). This sequence change replaces isoleucine with serine at codon 2449 of the DNAH11 protein (p.Ile2449Ser). The isoleucine residue is highly conserved and there is a large physicochemical difference between isoleucine and serine.

NM_001277115.2(DNAH11):c.7346T>G (p.Ile2449Ser)

Gene: DNAH11 (dynein axonemal heavy chain 11; plus strand). Cytogenetic location: 7p15.3.
Variant type: single nucleotide variant.
Coding change: c.7346T>G on transcript NM_001277115.2 (MANE Select); coding-DNA position 7346, T replaced by G.
Protein change: p.Ile2449Ser; replaces isoleucine 2449 with serine.
Molecular consequence: missense variant.
Genome position (GRCh38, 1-based): chr7:21,725,890, T>G. VCF-style: chr7-21725890-T-G. GRCh37 (hg19) VCF-style: chr7-21765508-T-G.
Other names: short protein forms I2449S.
Identifiers: ClinVar variation 834681 (VCV000834681.8), dbSNP rs1240719613, ClinGen allele CA366945637.